The following is an entry in ClinVar:

ClinVar aggregate classification (germline): Conflicting classifications of pathogenicity. Review status: criteria provided, conflicting classifications (1 of 4 stars). 3 submissions from 3 submitters: Uncertain significance (1); Likely benign (1). 1 of the submissions does not count toward it. Last evaluated 2024-04-05.

Conditions:
VPS13B-related disorder. Also called: VPS13B-related condition.
Cohen syndrome (COH1). Also called: PEPPER SYNDROME; Cutis verticis gyrata, retinitis pigmentosa, and sensorineural deafness. Identifiers: Orphanet 193, MedGen C0265223, MONDO:0008999, OMIM 216550.

Allele frequency attached by ClinVar (database versions not stated): gnomAD 0.00001 and 0.00003; gnomAD exomes 0.00010; ExAC 0.00014; 1000 Genomes Project 0.00040; 1000 Genomes Project 30x 0.00047.
gnomAD v4.1: 83 of 1,613,652 alleles (0.0051%); highest among the groups gnomAD compares: South Asian, 0.074%; 2 homozygotes.

Submissions (3):

Blueprint Genetics
Classification: Likely benign. Last evaluated: 2024-04-05. Review status: criteria provided, single submitter. Criteria: ACMG Guidelines, 2015. Collection method: clinical testing. Allele origin: germline.

Labcorp Genetics (formerly Invitae), Labcorp
Classification: Uncertain significance for Cohen syndrome. Last evaluated: 2022-10-24. Review status: criteria provided, single submitter. Criteria: Invitae Variant Classification Sherloc (09022015). Collection method: clinical testing. Allele origin: germline.
Comment: This sequence change affects codon 2176 of the VPS13B mRNA. It is a 'silent' change, meaning that it does not change the encoded amino acid sequence of the VPS13B protein. It affects a nucleotide within the consensus splice site. This variant is present in population databases (rs536727985, gnomAD 0.07%). This variant has not been reported in the literature in individuals affected with VPS13B-related conditions. ClinVar contains an entry for this variant (Variation ID: 965970). Algorithms developed to predict the effect of sequence changes on RNA splicing suggest that this variant is not likely to affect RNA splicing. In summary, the available evidence is currently insufficient to determine the role of this variant in disease. Therefore, it has been classified as a Variant of Uncertain Significance.

PreventionGenetics, part of Exact Sciences
Classification: Likely benign for VPS13B-related condition. Last evaluated: 2021-11-10. Review status: no assertion criteria provided. Collection method: clinical testing. Allele origin: germline. Not counted in ClinVar's aggregate classification.
Comment: This variant is classified as likely benign based on ACMG/AMP sequence variant interpretation guidelines (Richards et al. 2015 PMID: 25741868, with internal and published modifications).

NM_152564.5(VPS13B):c.6453T>G (p.Pro2151=)

Gene: VPS13B (vacuolar protein sorting 13 homolog B; plus strand). Cytogenetic location: 8q22.2.
Variant type: single nucleotide variant.
Coding change: c.6453T>G on transcript NM_152564.5 (MANE Select); coding-DNA position 6453, T replaced by G.
Protein change: p.Pro2151=; no amino-acid change (proline 2151 retained).
Molecular consequence: synonymous variant.
Genome position (GRCh38, 1-based): chr8:99,699,931, T>G. VCF-style: chr8-99699931-T-G. GRCh37 (hg19) VCF-style: chr8-100712159-T-G.
Other names: c.6528T>G, p.Pro2176= (NM_017890.5); c.6453T>G (NM_152564.4).
Identifiers: ClinVar variation 965970 (VCV000965970.7), dbSNP rs536727985, ClinGen allele CA4823985.